The following is an entry in ClinVar:

NM_001122764.3(PPOX):c.362_363del (p.Pro121fs)

Gene: PPOX (protoporphyrinogen oxidase; plus strand). Cytogenetic location: 1q23.3.
Variant type: Deletion.
Coding change: c.362_363del on transcript NM_001122764.3 (MANE Select); coding-DNA positions 362 to 363, 2 bases deleted (CC; older notation c.362_363delCC).
Protein change: p.Pro121fs; shifts the reading frame from proline 121.
Molecular consequence: frameshift variant. On other transcripts: 5 prime UTR variant (4), intron variant (2).
Genome position (GRCh38, 1-based): chr1:161,168,018-161,168,019, CC deleted; deleting any 2 consecutive bases within chr1:161,168,014-161,168,019 gives the same sequence; the c. name uses the placement nearest the transcript's 3' end. VCF-style (leftmost placement, unchanged base first): chr1-161168013-ACC-A. GRCh37 (hg19) VCF-style: chr1-161137803-ACC-A.
Other names: c.362_363del, p.Pro121fs (NM_000309.5, NM_001365398.1, NM_001365399.1); c.-66_-65del (NM_001350129.2, NM_001365400.1); c.-125_-124del (NM_001350130.2, NM_001365401.1); c.354-395_354-394del (NM_001350128.2); c.-34-395_-34-394del (NM_001350131.2); short protein forms P121fs.
Identifiers: ClinVar variation 4846908 (VCV004846908.1).

ClinVar aggregate classification (germline): Likely pathogenic (1 of 4 stars; one submission).

Conditions:
Variegate porphyria (VP). Also called: PPOX DEFICIENCY; PORPHYRIA, SOUTH AFRICAN TYPE; PROTOPORPHYRINOGEN OXIDASE DEFICIENCY. Identifiers: Orphanet 79473, MedGen C0162532, MONDO:0008297, OMIM 176200.

Submission:

Laboratorio de Genetica e Diagnostico Molecular, Hospital Israelita Albert Einstein
Classification: Likely pathogenic for Variegate porphyria. Last evaluated: 2025-08-18. Review status: criteria provided, single submitter. Criteria: ACMG Guidelines, 2015. Collection method: clinical testing. Allele origin: germline. Affected: yes.
Comment: ACMG classification criteria: PVS1 very strong, PM2 supporting